The following is an entry in ClinVar:

ClinVar aggregate classification (germline): Pathogenic. Review status: criteria provided, multiple submitters, no conflicts (2 of 4 stars). 8 submissions from 7 submitters: Pathogenic (5). 3 of the submissions do not count toward it. Last evaluated 2025-10-07.

Conditions:
Hereditary cancer-predisposing syndrome. Also called: Tumor predisposition; Hereditary Cancer Syndrome; Hereditary neoplastic syndrome; Neoplastic Syndromes, Hereditary. Identifiers: Orphanet 140162, MedGen C0027672, MeSH D009386, MONDO:0015356.
Fanconi anemia complementation group J. Also called: BRIP1-Related Fanconi Anemia. Identifiers: Orphanet 84, MedGen C1836860, MONDO:0012187, OMIM 609054.
Familial cancer of breast. Also called: Hereditary breast cancer; BREAST CANCER, FAMILIAL; hereditary breast carcinoma. Identifiers: Orphanet 227535, MedGen C0346153, MONDO:0016419, OMIM 114480. Disease mechanism: loss of function.
Ovarian cancer. Also called: OVARIAN CANCER, SOMATIC. Identifiers: Orphanet 213500, MedGen C1140680, MONDO:0008170, OMIM 167000.

Submissions (8):

Labcorp Genetics (formerly Invitae), Labcorp
Classification: Pathogenic for Familial cancer of breast; Fanconi anemia complementation group J. Last evaluated: 2025-10-07. Review status: criteria provided, single submitter. Criteria: Invitae Variant Classification Sherloc (09022015). Collection method: clinical testing. Allele origin: germline.
Comment: This sequence change creates a premature translational stop signal (p.Leu704*) in the BRIP1 gene. It is expected to result in an absent or disrupted protein product. Loss-of-function variants in BRIP1 are known to be pathogenic (PMID: 16116423, 17033622, 21964575). This variant is not present in population databases (gnomAD no frequency). This variant has not been reported in the literature in individuals affected with BRIP1-related conditions. ClinVar contains an entry for this variant (Variation ID: 372090). For these reasons, this variant has been classified as Pathogenic.

Ambry Genetics
Classification: Pathogenic for Hereditary cancer-predisposing syndrome. Last evaluated: 2024-06-05. Review status: criteria provided, single submitter. Criteria: Ambry Variant Classification Scheme 2023. Collection method: clinical testing. Allele origin: germline.
Comment: The p.L704* pathogenic mutation (also known as c.2111T>A), located in coding exon 14 of the BRIP1 gene, results from a T to A substitution at nucleotide position 2111. This changes the amino acid from a leucine to a stop codon within coding exon 14. This variant is considered to be rare based on population cohorts in the Genome Aggregation Database (gnomAD). This alteration is expected to result in loss of function by premature protein truncation or nonsense-mediated mRNA decay. As such, this alteration is interpreted as a disease-causing mutation.

Color Diagnostics, LLC DBA Color Health
Classification: Pathogenic for Hereditary cancer-predisposing syndrome. Last evaluated: 2024-04-15. Review status: criteria provided, single submitter. Criteria: ACMG Guidelines, 2015. Collection method: clinical testing. Allele origin: germline.
Comment: This variant changes 1 nucleotide in exon 15/20 of the BRIP1 gene, creating a premature translation stop signal. This variant is expected to result in an absent or non-functional protein product. To our knowledge, this variant has not been reported in individuals affected with BRIP1-related disorders in the literature. This variant has not been identified in the general population by the Genome Aggregation Database (gnomAD). Loss of BRIP1 function is a known mechanism of disease. Based on the available evidence, this variant is classified as Pathogenic.

Myriad Genetics, Inc.
Classification: Pathogenic for Familial cancer of breast. Last evaluated: 2023-02-27. Review status: criteria provided, single submitter. Criteria: Myriad Autosomal Dominant, Autosomal Recessive and X-Linked Classification Criteria (2023). Collection method: clinical testing. Allele origin: unknown.
Comment: This variant is considered pathogenic. This variant creates a termination codon and is predicted to result in premature protein truncation.

Institute of Medical Genetics and Applied Genomics, University Hospital Tübingen
Classification: Pathogenic. Last evaluated: 2020-10-23. Review status: criteria provided, single submitter. Criteria: ACMG Guidelines, 2015. Collection method: clinical testing. Allele origin: germline. Inheritance: Unknown mechanism. Affected: yes.

Clinical Genetics Laboratory, University Hospital Schleswig-Holstein
Classification: Pathogenic for Familial cancer of breast. Last evaluated: 2022-12-08. Review status: no assertion criteria provided. Collection method: clinical testing. Allele origin: germline. Affected: yes. Not counted in ClinVar's aggregate classification.

Counsyl
Classification: Likely pathogenic for Fanconi anemia complementation group J. Last evaluated: 2016-08-29. Review status: no assertion criteria provided. Collection method: clinical testing. Allele origin: unknown. Not counted in ClinVar's aggregate classification.

Counsyl
Classification: Likely pathogenic for Ovarian cancer. Last evaluated: 2016-08-29. Review status: no assertion criteria provided. Collection method: clinical testing. Allele origin: unknown. Not counted in ClinVar's aggregate classification.

Literature cited by the submitters: PubMed 16116423 (cited by Labcorp Genetics (formerly Invitae), Labcorp); PubMed 17033622 (cited by Labcorp Genetics (formerly Invitae), Labcorp); PubMed 21964575 (cited by Labcorp Genetics (formerly Invitae), Labcorp).

NM_032043.3(BRIP1):c.2111T>A (p.Leu704Ter)

Gene: BRIP1 (BRCA1 interacting DNA helicase 1; minus strand). Cytogenetic location: 17q23.2.
Variant type: single nucleotide variant.
Coding change: c.2111T>A on transcript NM_032043.3 (MANE Select); coding-DNA position 2111, T replaced by A.
Protein change: p.Leu704Ter; replaces leucine 704 with a stop codon.
Molecular consequence: nonsense.
Genome position (GRCh38, 1-based): chr17:61,744,578, A>T on the plus strand (T>A on the coding strand, the complement: BRIP1 is on the minus strand). VCF-style: chr17-61744578-A-T. GRCh37 (hg19) VCF-style: chr17-59821939-A-T.
Other names: short protein forms L704*.
Identifiers: ClinVar variation 372090 (VCV000372090.19), dbSNP rs1057517643, ClinGen allele CA16042174.
Genomic context (GRCh38, chr17:61,744,578, plus strand): 5'-ATGACTGTCTTCACCAACTCCAGATTATGCCATAAACCAGTAGAGAGCCAACGTTCTTTT[A>T]ATTTTTCTAATAACTAAAGAGGGGAAAGAAAAAAATGATTTTTTGTGTGTCTAGCTAAAC-3'